The following is an entry in ClinVar:

NM_000126.4(ETFA):c.883-6T>C

Gene: ETFA (electron transfer flavoprotein subunit alpha; minus strand). Cytogenetic location: 15q24.2.
Variant type: single nucleotide variant.
Coding change: c.883-6T>C on transcript NM_000126.4 (MANE Select); 6 bases into the intron before coding-DNA position 883, T replaced by C.
Molecular consequence: intron variant.
Genome position (GRCh38, 1-based): chr15:76,225,935, A>G on the plus strand (T>C on the coding strand, the complement: ETFA is on the minus strand). VCF-style: chr15-76225935-A-G. GRCh37 (hg19) VCF-style: chr15-76518276-A-G.
Other names: c.736-6T>C (NM_001127716.2); c.883-6T>C (NM_000126.3).
Identifiers: ClinVar variation 1088358 (VCV001088358.11), dbSNP rs2142108091, ClinGen allele CA2499223101.

ClinVar aggregate classification (germline): Likely benign. Review status: criteria provided, single submitter (1 of 4 stars). 2 submissions from 2 submitters: Likely benign (1). 1 of the submissions does not count toward it. Last evaluated 2023-12-06.

Conditions:
ETFA-related disorder. Also called: ETFA-related condition.
Multiple acyl-CoA dehydrogenase deficiency (MADD). Also called: Glutaric Acidemia type 2; ETHYLMALONIC-ADIPICACIDURIA; GA II; Glutaric aciduria, type 2; Glutaric acidemia type II; GA 2. Identifiers: Orphanet 26791, MedGen C0268596, MONDO:0009282, OMIM 231680.

gnomAD v4.1: 1 of 1,575,174 alleles (0.000063%); no homozygotes.

Submissions (2):

Labcorp Genetics (formerly Invitae), Labcorp
Classification: Likely benign for Multiple acyl-CoA dehydrogenase deficiency. Last evaluated: 2023-12-06. Review status: criteria provided, single submitter. Criteria: Invitae Variant Classification Sherloc (09022015). Collection method: clinical testing. Allele origin: germline.

PreventionGenetics, part of Exact Sciences
Classification: Likely benign for ETFA-related condition. Last evaluated: 2019-05-24. Review status: no assertion criteria provided. Collection method: clinical testing. Allele origin: germline. Not counted in ClinVar's aggregate classification.
Comment: This variant is classified as likely benign based on ACMG/AMP sequence variant interpretation guidelines (Richards et al. 2015 PMID: 25741868, with internal and published modifications).